The following is an entry in ClinVar:

NM_032793.5(MFSD2A):c.77G>T (p.Arg26Leu)

Gene: MFSD2A (MFSD2 lysolipid transporter A, lysophospholipid; plus strand). Cytogenetic location: 1p34.2.
Variant type: single nucleotide variant.
Coding change: c.77G>T on transcript NM_032793.5 (MANE Select); coding-DNA position 77, G replaced by T.
Protein change: p.Arg26Leu; replaces arginine 26 with leucine.
Molecular consequence: missense variant. On other transcripts: 5 prime UTR variant (2), non-coding transcript variant (1).
Genome position (GRCh38, 1-based): chr1:39,955,369, G>T. VCF-style: chr1-39955369-G-T. GRCh37 (hg19) VCF-style: chr1-40421041-G-T.
Other names: c.77G>T (NM_001136493.1); c.77G>T, p.Arg26Leu (NM_001136493.3, NM_001287809.2, NM_001349821.2 and 1 more transcripts); c.-132G>T (NM_001287808.2); c.-265G>T (NM_001349823.2); short protein forms R26L.
Identifiers: ClinVar variation 2066207 (VCV002066207.4), dbSNP rs201082115, ClinGen allele CA788504.
Genomic context (GRCh38, chr1:39,955,369, plus strand): 5'-GCGCCGAGAGCGGCTCCGCGGCGGGGCTGCTACCCACCAGCATCCTCCAAAGCACTGAAC[G>T]CCCGGCCCAGGTGAAGGTGAGGGCCCGGCACCCCGCGTGGAGGGCGAGGGGAGGGAGGAG-3'
Protein context (NP_116182.2, residues 16-36): LPTSILQSTE[Arg26Leu]PAQVKKEPKK

ClinVar aggregate classification (germline): Uncertain significance. Review status: criteria provided, multiple submitters, no conflicts (2 of 4 stars). 2 submissions from 2 submitters: Uncertain significance (2). Last evaluated 2025-08-30.

Conditions:
Inborn genetic diseases. Identifiers: MedGen C0950123, MeSH D030342.

Allele frequency attached by ClinVar (database versions not stated): gnomAD 0.00013; gnomAD exomes 0.00013; TOPMed 0.00014; ESP Exome Variant Server 0.00023; ExAC 0.00039.

Submissions (2):

Ambry Genetics
Classification: Uncertain significance for Inborn genetic diseases. Last evaluated: 2025-08-30. Review status: criteria provided, single submitter. Criteria: Ambry Variant Classification Scheme 2023. Collection method: clinical testing. Allele origin: germline.

Labcorp Genetics (formerly Invitae), Labcorp
Classification: Uncertain significance. Last evaluated: 2022-08-03. Review status: criteria provided, single submitter. Criteria: Invitae Variant Classification Sherloc (09022015). Collection method: clinical testing. Allele origin: germline.
Comment: This sequence change replaces arginine, which is basic and polar, with leucine, which is neutral and non-polar, at codon 26 of the MFSD2A protein (p.Arg26Leu). This variant is present in population databases (rs201082115, gnomAD 0.03%). This variant has not been reported in the literature in individuals affected with MFSD2A-related conditions. Algorithms developed to predict the effect of missense changes on protein structure and function (SIFT, PolyPhen-2, Align-GVGD) all suggest that this variant is likely to be tolerated. In summary, the available evidence is currently insufficient to determine the role of this variant in disease. Therefore, it has been classified as a Variant of Uncertain Significance.